The following is an entry in ClinVar:

NM_207037.2(TCF12):c.1882T>C (p.Cys628Arg)

Gene: TCF12 (transcription factor 12; plus strand). Cytogenetic location: 15q21.3.
Variant type: single nucleotide variant.
Coding change: c.1882T>C on transcript NM_207037.2 (MANE Select); coding-DNA position 1882, T replaced by C.
Protein change: p.Cys628Arg; replaces cysteine 628 with arginine.
Molecular consequence: missense variant.
Genome position (GRCh38, 1-based): chr15:57,273,166, T>C. VCF-style: chr15-57273166-T-C. GRCh37 (hg19) VCF-style: chr15-57565364-T-C.
Other names: c.1372T>C, p.Cys458Arg (NM_001306219.3); c.1102T>C, p.Cys368Arg (NM_001306220.3); c.1882T>C, p.Cys628Arg (NM_001322151.2, NM_001322159.3, NM_001322162.2 and 1 more transcripts); c.1879T>C, p.Cys627Arg (NM_001322152.2, NM_001322161.2); c.1225T>C, p.Cys409Arg (NM_001322154.2); c.1708T>C, p.Cys570Arg (NM_001322156.2); c.1810T>C, p.Cys604Arg (NM_001322157.3, NM_001322165.2, NM_003205.4 and 1 more transcripts); c.1636T>C, p.Cys546Arg (NM_001322158.2); and 2 more; short protein forms C368R, C409R, C434R, C458R, C546R, C570R, C604R, C616R.
Identifiers: ClinVar variation 1301270 (VCV001301270.5), dbSNP rs2152098451, ClinGen allele CA392592793.

ClinVar aggregate classification (germline): Conflicting classifications of pathogenicity. Review status: criteria provided, conflicting classifications (1 of 4 stars). 2 submissions from 2 submitters: Pathogenic (1); Uncertain significance (1). Last evaluated 2025-11-03.

Conditions:
TCF12-related craniosynostosis. Also called: Craniosynostosis 3. Identifiers: Orphanet 35098, Orphanet 35099, Orphanet 672979, MedGen C3715051, MONDO:0014128, OMIM 615314.

Submissions (2):

Dasa
Classification: Uncertain significance for TCF12-related craniosynostosis. Last evaluated: 2025-11-03. Review status: criteria provided, single submitter. Criteria: DASA Assertion Criteria. Collection method: clinical testing. Allele origin: germline.
Comment: NM_207037.2(TCF12):c.1882T>C (p.Cys628Arg) is a missense variant that results in the substitution of cysteine with arginine. This variant is absent from population databases. Computational prediction algorithms are consistent with a deleterious effect. The currently available literature and clinical evidence are not sufficient to establish a definitive association between this variant and the reported condition. Therefore, this variant is classified as a variant of uncertain significance.

GeneDx
Classification: Pathogenic. Last evaluated: 2025-05-16. Review status: criteria provided, single submitter. Criteria: GeneDx Variant Classification Process June 2021. Collection method: clinical testing. Allele origin: germline. Affected: yes.
Comment: Not observed at significant frequency in large population cohorts (gnomAD); In silico analysis supports that this missense variant has a deleterious effect on protein structure/function; Has not been previously published as pathogenic or benign to our knowledge